The following is an entry in ClinVar:

NM_000256.3(MYBPC3):c.1294G>A (p.Ala432Thr)

Gene: MYBPC3 (myosin binding protein C3; minus strand). Cytogenetic location: 11p11.2.
Variant type: single nucleotide variant.
Coding change: c.1294G>A on transcript NM_000256.3 (MANE Select); coding-DNA position 1294, G replaced by A.
Protein change: p.Ala432Thr; replaces alanine 432 with threonine.
Molecular consequence: missense variant.
Genome position (GRCh38, 1-based): chr11:47,343,078, C>T on the plus strand (G>A on the coding strand, the complement: MYBPC3 is on the minus strand). VCF-style: chr11-47343078-C-T. GRCh37 (hg19) VCF-style: chr11-47364629-C-T.
Other names: short protein forms A432T.
Identifiers: ClinVar variation 42520 (VCV000042520.19), dbSNP rs371167525, ClinGen allele CA010045.

ClinVar aggregate classification (germline): Uncertain significance. Review status: criteria provided, multiple submitters, no conflicts (2 of 4 stars). 7 submissions from 7 submitters: Uncertain significance (7). Last evaluated 2026-01-13.

Conditions:
MYBPC3-related disorder. Also called: MYBPC3-related disorders; MYBPC3-related condition; MYBPC3-related disease.
Cardiovascular phenotype. Identifiers: MedGen CN230736.
Cardiomyopathy (CMYO). Also called: Cardiomyopathies. Identifiers: Orphanet 167848, MedGen C0878544, MONDO:0004994, HP:0001638. Inheritance: Various modes of inheritance.
Hypertrophic cardiomyopathy. Also called: HYPERTROPHIC MYOCARDIOPATHY. Identifiers: Orphanet 217569, MedGen C0007194, MeSH D002312, MONDO:0005045, HP:0001639.

Allele frequency attached by ClinVar (database versions not stated): gnomAD exomes 0.00001 and 0.00002; gnomAD 0.00003 and 0.00004; TOPMed 0.00003; ExAC 0.00004; ESP Exome Variant Server 0.00008.
gnomAD v4.1: 23 of 1,611,748 alleles (0.0014%); highest among the groups gnomAD compares: African/African-American, 0.0093%; no homozygotes.

Submissions (7):

Labcorp Genetics (formerly Invitae), Labcorp
Classification: Uncertain significance for Hypertrophic cardiomyopathy. Last evaluated: 2026-01-13. Review status: criteria provided, single submitter. Criteria: Invitae Variant Classification Sherloc (09022015). Collection method: clinical testing. Allele origin: germline.
Comment: This sequence change replaces alanine, which is neutral and non-polar, with threonine, which is neutral and polar, at codon 432 of the MYBPC3 protein (p.Ala432Thr). This variant is present in population databases (rs371167525, gnomAD 0.007%). This missense change has been observed in individuals with dilated cardiomyopathy, hypertrophic cardiomyopathy, and/or MYBPC3-related conditions (PMID: 27532257, 33782553, 34935411, 37652022; internal data). ClinVar contains an entry for this variant (Variation ID: 42520). An algorithm developed to predict the effect of missense changes on protein structure and function (PolyPhen-2) suggests that this variant is likely to be disruptive. In summary, the available evidence is currently insufficient to determine the role of this variant in disease. Therefore, it has been classified as a Variant of Uncertain Significance.

GeneDx
Classification: Uncertain significance. Last evaluated: 2025-12-07. Review status: criteria provided, single submitter. Criteria: GeneDx Variant Classification Process June 2021. Collection method: clinical testing. Allele origin: germline.
Comment: In silico analysis supports that this missense variant has a deleterious effect on protein structure/function; This variant is associated with the following publications: (PMID: 27532257, 37652022, 34935411, 33782553)

PreventionGenetics, part of Exact Sciences
Classification: Uncertain significance for MYBPC3-related condition. Last evaluated: 2025-10-31. Review status: criteria provided, single submitter. Criteria: ACMG Guidelines, 2015. Collection method: clinical testing. Allele origin: germline.
Comment: The MYBPC3 c.1294G>A variant is predicted to result in the amino acid substitution p.Ala432Thr. This variant has been reported in individuals with hypertrophic or dilated cardiomyopathy (Table S1B, Walsh et al. 2017. PubMed ID: 27532257; Table S2, Khan et al. 2021. PubMed ID: 34935411; Table S8, McGurk et al. 2023. PubMed ID: 37652022). This variant is reported in 0.0067% of alleles in individuals of South Asian descent in gnomAD and is interpreted as uncertain significance in ClinVar (Variation ID: 42520). At this time, the clinical significance of this variant is uncertain due to the absence of conclusive functional and genetic evidence.

All of Us Research Program, National Institutes of Health
Classification: Uncertain significance for Hypertrophic cardiomyopathy. Last evaluated: 2023-11-30. Review status: criteria provided, single submitter. Criteria: ACMG Guidelines, 2015. Collection method: clinical testing. Allele origin: germline. Inheritance: Autosomal dominant inheritance. Observed: 2 variant alleles, 2 heterozygotes.
Comment: This missense variant replaces alanine with threonine at codon 432 of the MYBPC3 protein. Computational prediction suggests that this variant may not impact protein structure and function (internally defined REVEL score threshold <= 0.5, PMID: 27666373). To our knowledge, functional studies have not been reported for this variant. This variant has been reported in one individual affected with hypertrophic cardiomyopathy (PMID: 27532257, 33782553). This variant was also reported in one individual who was affected with dilated cardiomyopathy (PMID: 34935411). This variant has been identified in 6/244146 chromosomes in the general population by the Genome Aggregation Database (gnomAD). The available evidence is insufficient to determine the role of this variant in disease conclusively. Therefore, this variant is classified as a Variant of Uncertain Significance.

This study involves interpretation of variants in research participants for the purpose of population health screening. Participant phenotype was not available at the time of variant classification. Additional details can be found in publication PMID: 35346344, PMCID: PMC8962531

Color Diagnostics, LLC DBA Color Health
Classification: Uncertain significance for Cardiomyopathy. Last evaluated: 2023-10-23. Review status: criteria provided, single submitter. Criteria: ACMG Guidelines, 2015. Collection method: clinical testing. Allele origin: germline.
Comment: This missense variant replaces alanine with threonine at codon 432 of the MYBPC3 protein. Computational prediction suggests that this variant may not impact protein structure and function (internally defined REVEL score threshold <= 0.5, PMID: 27666373). To our knowledge, functional studies have not been reported for this variant. This variant has been reported in one individual affected with hypertrophic cardiomyopathy (PMID: 27532257, 33782553). This variant was also reported in one individual who was affected with dilated cardiomyopathy (PMID: 34935411). This variant has been identified in 6/244146 chromosomes in the general population by the Genome Aggregation Database (gnomAD). The available evidence is insufficient to determine the role of this variant in disease conclusively. Therefore, this variant is classified as a Variant of Uncertain Significance.

Ambry Genetics
Classification: Uncertain significance for Cardiovascular phenotype. Last evaluated: 2019-05-15. Review status: criteria provided, single submitter. Criteria: Ambry Variant Classification Scheme 2023. Collection method: clinical testing. Allele origin: germline.

Laboratory for Molecular Medicine, Mass General Brigham Personalized Medicine
Classification: Uncertain significance. Last evaluated: 2012-08-24. Review status: criteria provided, single submitter. Criteria: LMM Criteria. Collection method: clinical testing. Allele origin: germline. Observed: 2 variant alleles.
Comment: This variant has been dete cted in 1/8500 European American chromosomes from a broad population screened by the NHLBI Exome Sequencing Project. Note th at this could represent a presymptomatic individual. Computational analyses (bio chemical amino acid properties, conservation, AlignGVGD, PolyPhen2, and SIFT) su ggest that the Ala432Thr variant may impact the protein, though this information is not predictive enough to determine pathogenicity. In summary, additional stu dies are needed to fully assess its clinical significance.

Literature cited by the submitters: PubMed 27532257 (cited by 3 submitters); PubMed 33782553 (cited by 3 submitters); PubMed 34935411 (cited by 3 submitters); PubMed 37652022 (cited by Labcorp Genetics (formerly Invitae), Labcorp).